The following is an entry in ClinVar:

ClinVar aggregate classification (germline): Likely benign (1 of 4 stars; one submission).

Submission:

GeneDx
Classification: Likely benign. Last evaluated: 2021-03-26. Review status: criteria provided, single submitter. Criteria: GeneDx Variant Classification Process June 2021. Collection method: clinical testing. Allele origin: germline. Affected: yes.
Comment: See Variant Classification Assertion Criteria.

NM_001363.5(DKC1):c.1155+56_1155+57del

Gene: DKC1 (dyskerin pseudouridine synthase 1; plus strand). Cytogenetic location: Xq28.
Variant type: Deletion.
Coding change: c.1155+56_1155+57del on transcript NM_001363.5 (MANE Select); bases 56 to 57 of the intron after coding-DNA position 1155, 2 bases deleted (TT; older notation c.1155+56_1155+57delTT).
Molecular consequence: intron variant.
Genome position (GRCh38, 1-based): chrX:154,773,305-154,773,306, TT deleted; deleting any 2 consecutive bases within chrX:154,773,285-154,773,306 gives the same sequence; the c. name uses the placement nearest the transcript's 3' end. VCF-style (leftmost placement, unchanged base first): chrX-154773284-CTT-C. GRCh37 (hg19) VCF-style: chrX-154001559-CTT-C.
Other names: c.1155+56_1155+57del (NM_001288747.2, NM_001142463.3).
Identifiers: ClinVar variation 1707167 (VCV001707167.2), dbSNP rs782491644, ClinGen allele CA10567172.
Genomic context (GRCh38, chrX:154,773,284, plus strand): 5'-CTCGGAAGTGGGGTTTAGGTCCAAAGGTAAGTGGTACTGGGTTGCGTGCCCTGCCAGGTT[CTT>C]TTTTTTTTTTTTTTTTTTTTAAATTTATTTTTTTATTGATAATTCTTGGGTGTTTCTCAC-3'